The following is an entry in ClinVar:

ClinVar aggregate classification (germline): Uncertain significance (1 of 4 stars; one submission).

Allele frequency attached by ClinVar (database versions not stated): gnomAD exomes below 0.00001.
gnomAD v4.1: 2 of 1,614,236 alleles (0.00012%); highest among the groups gnomAD compares: Non-Finnish European, 0.00017%; no homozygotes.

Submission:

Labcorp Genetics (formerly Invitae), Labcorp
Classification: Uncertain significance. Last evaluated: 2023-06-25. Review status: criteria provided, single submitter. Criteria: Invitae Variant Classification Sherloc (09022015). Collection method: clinical testing. Allele origin: germline.
Comment: In summary, the available evidence is currently insufficient to determine the role of this variant in disease. Therefore, it has been classified as a Variant of Uncertain Significance. Advanced modeling of protein sequence and biophysical properties (such as structural, functional, and spatial information, amino acid conservation, physicochemical variation, residue mobility, and thermodynamic stability) performed at Invitae indicates that this missense variant is not expected to disrupt IGF1R protein function. This variant has not been reported in the literature in individuals affected with IGF1R-related conditions. This variant is present in population databases (no rsID available, gnomAD 0.002%). This sequence change replaces glutamic acid, which is acidic and polar, with lysine, which is basic and polar, at codon 563 of the IGF1R protein (p.Glu563Lys).

NM_000875.5(IGF1R):c.1687G>A (p.Glu563Lys)

Gene: IGF1R (insulin like growth factor 1 receptor; plus strand). Cytogenetic location: 15q26.3.
Variant type: single nucleotide variant.
Coding change: c.1687G>A on transcript NM_000875.5 (MANE Select); coding-DNA position 1687, G replaced by A.
Protein change: p.Glu563Lys; replaces glutamic acid 563 with lysine.
Molecular consequence: missense variant.
Genome position (GRCh38, 1-based): chr15:98,913,141, G>A. VCF-style: chr15-98913141-G-A. GRCh37 (hg19) VCF-style: chr15-99456370-G-A.
Other names: c.1687G>A, p.Glu563Lys (NM_001291858.2); short protein forms E563K.
Identifiers: ClinVar variation 2729458 (VCV002729458.3), dbSNP rs1018742552, ClinGen allele CA275379406.